The following is an entry in ClinVar:

ClinVar aggregate classification (germline): Likely benign (1 of 4 stars; one submission).

gnomAD v4.1: 1 of 1,613,466 alleles (0.000062%); highest among the groups gnomAD compares: Admixed American, 0.0017%; no homozygotes.

Submission:

GeneDx
Classification: Likely benign. Last evaluated: 2015-12-14. Review status: criteria provided, single submitter. Criteria: GeneDx Variant Classification (06012015). Collection method: clinical testing. Allele origin: germline. Affected: yes.
Comment: This variant is considered likely benign or benign based on one or more of the following criteria: it is a conservative change, it occurs at a poorly conserved position in the protein, it is predicted to be benign by multiple in silico algorithms, and/or has population frequency not consistent with disease.

NM_000093.5(COL5A1):c.2181C>A (p.Gly727=)

Gene: COL5A1 (collagen type V alpha 1 chain; plus strand). Cytogenetic location: 9q34.3.
Variant type: single nucleotide variant.
Coding change: c.2181C>A on transcript NM_000093.5 (MANE Select); coding-DNA position 2181, C replaced by A.
Protein change: p.Gly727=; no amino-acid change (glycine 727 retained).
Molecular consequence: synonymous variant.
Genome position (GRCh38, 1-based): chr9:134,767,047, C>A. VCF-style: chr9-134767047-C-A. GRCh37 (hg19) VCF-style: chr9-137658893-C-A.
Other names: c.2181C>A, p.Gly727= (NM_001278074.1).
Identifiers: ClinVar variation 382286 (VCV000382286.1), dbSNP rs201298716, ClinGen allele CA16605417.